The following is an entry in ClinVar:

ClinVar aggregate classification (germline): Likely benign. Review status: criteria provided, multiple submitters, no conflicts (2 of 4 stars). 2 submissions from 2 submitters: Likely benign (2). Last evaluated 2025-09-18.

Conditions:
Pheochromocytoma/paraganglioma syndrome 5. Also called: Paragangliomas 5; SDHA-Related Hereditary Paraganglioma-Pheochromocytoma Syndrome. Identifiers: Orphanet 29072, MedGen C3279992, MONDO:0013602, OMIM 614165.
Mitochondrial complex II deficiency, nuclear type 1. Also called: SUCCINATE CoQ REDUCTASE DEFICIENCY. Identifiers: Orphanet 3208, MedGen C5700310, MONDO:0100294, OMIM 252011.

Allele frequency attached by ClinVar (database versions not stated): gnomAD exomes below 0.00001; gnomAD 0.00002; TOPMed 0.00002.

Submissions (2):

Labcorp Genetics (formerly Invitae), Labcorp
Classification: Likely benign for Pheochromocytoma/paraganglioma syndrome 5; Mitochondrial complex II deficiency, nuclear type 1. Last evaluated: 2025-09-18. Review status: criteria provided, single submitter. Criteria: Invitae Variant Classification Sherloc (09022015). Collection method: clinical testing. Allele origin: germline.

Myriad Genetics, Inc.
Classification: Likely benign for Pheochromocytoma/paraganglioma syndrome 5. Last evaluated: 2025-03-10. Review status: criteria provided, single submitter. Criteria: Myriad Autosomal Dominant, Autosomal Recessive and X-Linked Classification Criteria (2023). Collection method: clinical testing. Allele origin: unknown.
Comment: This variant is considered likely benign. This variant is intronic and is not expected to impact mRNA splicing.

NM_004168.4(SDHA):c.1433-10T>C

Gene: SDHA (succinate dehydrogenase complex flavoprotein subunit A; plus strand). Cytogenetic location: 5p15.33.
Variant type: single nucleotide variant.
Coding change: c.1433-10T>C on transcript NM_004168.4 (MANE Select); 10 bases into the intron before coding-DNA position 1433, T replaced by C.
Molecular consequence: intron variant.
Genome position (GRCh38, 1-based): chr5:240,348, T>C. VCF-style: chr5-240348-T-C. GRCh37 (hg19) VCF-style: chr5-240463-T-C.
Other names: c.1433-10T>C (NM_001330758.2); c.1289-10T>C (NM_001294332.2).
Identifiers: ClinVar variation 767132 (VCV000767132.12), dbSNP rs1214392431, ClinGen allele CA557114019.